The following is an entry in ClinVar:

NM_003179.3(SYP):c.889C>A (p.Gln297Lys)

Gene: SYP (synaptophysin; minus strand). Cytogenetic location: Xp11.23.
Variant type: single nucleotide variant.
Coding change: c.889C>A on transcript NM_003179.3 (MANE Select); coding-DNA position 889, C replaced by A.
Protein change: p.Gln297Lys; replaces glutamine 297 with lysine.
Molecular consequence: missense variant.
Genome position (GRCh38, 1-based): chrX:49,191,490, G>T on the plus strand (C>A on the coding strand, the complement: SYP is on the minus strand). VCF-style: chrX-49191490-G-T. GRCh37 (hg19) VCF-style: chrX-49047947-G-T.
Other names: short protein forms Q297K.
Identifiers: ClinVar variation 3370590 (VCV003370590.2).
Genomic context (GRCh38, chrX:49,191,490, plus strand): 5'-CACCAGACTACATCTGATTGGAGAAGGAGGTGGGTGCACCCTGCGGGCCGTAGCCTTGCT[G>T]CCCATAGTCGCCCTGAGGCCCGTAGCCACTGCCACCGCTGCCGGCTGGTTGACCATAGTC-3'
Protein context (NP_003170.1, residues 287-307): SGYGPQGDYG[Gln297Lys]QGYGPQGAPT

ClinVar aggregate classification (germline): Uncertain significance. Review status: criteria provided, multiple submitters, no conflicts (2 of 4 stars). 2 submissions from 2 submitters: Uncertain significance (2). Last evaluated 2025-10-24.

Submissions (2):

Women's Health and Genetics/Laboratory Corporation of America, LabCorp
Classification: Uncertain significance. Last evaluated: 2025-10-24. Review status: criteria provided, single submitter. Criteria: LabCorp Variant Classification Summary - May 2015. Collection method: clinical testing. Allele origin: germline.
Comment: Variant summary: SYP c.889C>A (p.Gln297Lys) results in a conservative amino acid change in the encoded protein sequence. Algorithms developed to predict the effect of missense changes on protein structure and function are either unavailable or do not agree on the potential impact of this missense change. The variant was absent in 177909 control chromosomes. The available data on variant occurrences in the general population are insufficient to allow any conclusion about variant significance. To our knowledge, no occurrence of c.889C>A in individuals affected with SYP-related conditions and no experimental evidence demonstrating its impact on protein function have been reported. ClinVar contains an entry for this variant (Variation ID: 3370590). Based on the evidence outlined above, the variant was classified as uncertain significance.

GeneDx
Classification: Uncertain significance. Last evaluated: 2024-03-11. Review status: criteria provided, single submitter. Criteria: GeneDx Variant Classification Process June 2021. Collection method: clinical testing. Allele origin: germline. Affected: yes.
Comment: Not observed at significant frequency in large population cohorts (gnomAD); In silico analysis supports that this missense variant does not alter protein structure/function; Has not been previously published as pathogenic or benign to our knowledge